The following is an entry in ClinVar:

ClinVar aggregate classification (germline): Uncertain significance (1 of 4 stars; one submission).

Conditions:
ICA1-related disorder. Also called: ICA1-related condition.

Allele frequency attached by ClinVar (database versions not stated): gnomAD exomes below 0.00001.
gnomAD v4.1: 1 of 1,613,794 alleles (0.000062%); highest among the groups gnomAD compares: South Asian, 0.0011%; no homozygotes.

Submission:

PreventionGenetics, part of Exact Sciences
Classification: Uncertain significance for ICA1-related condition. Last evaluated: 2023-06-27. Review status: criteria provided, single submitter. Criteria: ACMG Guidelines, 2015. Collection method: clinical testing. Allele origin: germline.
Comment: The ICA1 c.773G>T variant is predicted to result in the amino acid substitution p.Gly258Val. To our knowledge, this variant has not been reported in the literature or in a large population database, indicating this variant is rare. At this time, the clinical significance of this variant is uncertain due to the absence of conclusive functional and genetic evidence.

NM_001136020.3(ICA1):c.773G>T (p.Gly258Val)

Gene: ICA1 (islet cell autoantigen 1; minus strand). Cytogenetic location: 7p21.3.
Variant type: single nucleotide variant.
Coding change: c.773G>T on transcript NM_001136020.3 (MANE Select); coding-DNA position 773, G replaced by T.
Protein change: p.Gly258Val; replaces glycine 258 with valine.
Molecular consequence: missense variant. On other transcripts: non-coding transcript variant (4), intron variant (1).
Genome position (GRCh38, 1-based): chr7:8,157,147, C>A on the plus strand (G>T on the coding strand, the complement: ICA1 is on the minus strand). VCF-style: chr7-8157147-C-A. GRCh37 (hg19) VCF-style: chr7-8196777-C-A.
Other names: c.770G>T, p.Gly257Val (NM_001276478.2, NM_001350821.2, NM_001350823.2 and 6 more transcripts); c.773G>T, p.Gly258Val (NM_001350819.2, NM_001350820.2, NM_001350826.2 and 6 more transcripts); c.551G>T, p.Gly184Val (NM_001350835.2, NM_001350836.2, NM_001350837.2); c.580-13175G>T (NM_001350838.2); short protein forms G184V, G257V, G258V.
Identifiers: ClinVar variation 2632381 (VCV002632381.1), dbSNP rs1801903173, ClinGen allele CA366496489.